The following is an entry in ClinVar:

ClinVar aggregate classification (germline): Uncertain significance. Review status: criteria provided, multiple submitters, no conflicts (2 of 4 stars). 3 submissions from 3 submitters: Uncertain significance (3). Last evaluated 2025-07-01.

Conditions:
Treacher Collins syndrome 1 (TCS1). Also called: TCOF1-Related Treacher Collins Syndrome. Identifiers: Orphanet 861, MedGen CN315775, MONDO:0007944, OMIM 154500.
Inborn genetic diseases. Identifiers: MedGen C0950123, MeSH D030342.

gnomAD v4.1: 65 of 1,612,324 alleles (0.004%); highest among the groups gnomAD compares: Middle Eastern, 0.033%; no homozygotes.

Submissions (3):

Ambry Genetics
Classification: Uncertain significance for Inborn genetic diseases. Last evaluated: 2025-07-01. Review status: criteria provided, single submitter. Criteria: Ambry Variant Classification Scheme 2023. Collection method: clinical testing. Allele origin: germline.

Labcorp Genetics (formerly Invitae), Labcorp
Classification: Uncertain significance for Treacher Collins syndrome 1. Last evaluated: 2023-12-28. Review status: criteria provided, single submitter. Criteria: Invitae Variant Classification Sherloc (09022015). Collection method: clinical testing. Allele origin: germline.
Comment: This sequence change replaces glutamic acid, which is acidic and polar, with glutamine, which is neutral and polar, at codon 1416 of the TCOF1 protein (p.Glu1416Gln). This variant is present in population databases (rs750282344, gnomAD 0.03%), and has an allele count higher than expected for a pathogenic variant. This variant has not been reported in the literature in individuals affected with TCOF1-related conditions. An algorithm developed to predict the effect of missense changes on protein structure and function (PolyPhen-2) suggests that this variant is likely to be tolerated. In summary, the available evidence is currently insufficient to determine the role of this variant in disease. Therefore, it has been classified as a Variant of Uncertain Significance.

Department of Pathology and Laboratory Medicine, Sinai Health System
Classification: Uncertain significance for Treacher Collins syndrome 1. Last evaluated: 2021-09-09. Review status: criteria provided, single submitter. Criteria: ACMG Guidelines, 2015. Collection method: research. Allele origin: germline.

NM_001371623.1(TCOF1):c.4249G>C (p.Glu1417Gln)

Gene: TCOF1 (treacle ribosome biogenesis factor 1; plus strand). Cytogenetic location: 5q32.
Variant type: single nucleotide variant.
Coding change: c.4249G>C on transcript NM_001371623.1 (MANE Select); coding-DNA position 4249, G replaced by C.
Protein change: p.Glu1417Gln; replaces glutamic acid 1417 with glutamine.
Molecular consequence: missense variant.
Genome position (GRCh38, 1-based): chr5:150,396,746, G>C. VCF-style: chr5-150396746-G-C. GRCh37 (hg19) VCF-style: chr5-149776309-G-C.
Other names: c.4246G>C (NM_001135243.1); c.4246G>C, p.Glu1416Gln (NM_001135243.2); c.4135G>C, p.Glu1379Gln (NM_001135244.2); c.4018G>C, p.Glu1340Gln (NM_001135245.2); c.4132G>C, p.Glu1378Gln (NM_001195141.2); c.4015G>C, p.Glu1339Gln (NM_000356.4); short protein forms E1416Q, E1340Q, E1378Q, E1417Q, E1379Q, E1339Q.
Identifiers: ClinVar variation 2856474 (VCV002856474.5), dbSNP rs750282344, ClinGen allele CA3511695.